The following is an entry in ClinVar:

ClinVar aggregate classification (germline): Likely benign (0 of 4 stars; one submission).

Conditions:
NAPB-related disorder. Also called: NAPB-related condition.

Allele frequency attached by ClinVar (database versions not stated): gnomAD exomes 0.00002; ExAC 0.00009; gnomAD 0.00013; TOPMed 0.00019; 1000 Genomes Project 0.00020; 1000 Genomes Project 30x 0.00031.
gnomAD v4.1: 40 of 1,565,294 alleles (0.0026%); highest among the groups gnomAD compares: African/African-American, 0.05%; no homozygotes.

Submission:

PreventionGenetics, part of Exact Sciences
Classification: Likely benign for NAPB-related condition. Last evaluated: 2019-11-14. Review status: no assertion criteria provided. Collection method: clinical testing. Allele origin: germline.
Comment: This variant is classified as likely benign based on ACMG/AMP sequence variant interpretation guidelines (Richards et al. 2015 PMID: 25741868, with internal and published modifications).

NM_022080.3(NAPB):c.69C>T (p.Ala23=)

Gene: NAPB (NSF attachment protein beta; minus strand). Cytogenetic location: 20p11.21.
Variant type: single nucleotide variant.
Coding change: c.69C>T on transcript NM_022080.3 (MANE Select); coding-DNA position 69, C replaced by T.
Protein change: p.Ala23=; no amino-acid change (alanine 23 retained).
Molecular consequence: synonymous variant. On other transcripts: 5 prime UTR variant (1), non-coding transcript variant (1).
Genome position (GRCh38, 1-based): chr20:23,421,334, G>A on the plus strand (C>T on the coding strand, the complement: NAPB is on the minus strand). VCF-style: chr20-23421334-G-A. GRCh37 (hg19) VCF-style: chr20-23401971-G-A.
Other names: c.69C>T, p.Ala23= (NM_001283018.2, NM_001283020.2); c.-167C>T (NM_001283026.2).
Identifiers: ClinVar variation 3045570 (VCV003045570.2), dbSNP rs577243586, ClinGen allele CA9789169.
Genomic context (GRCh38, chr20:23,421,334, plus strand): 5'-CCCCCCAGGGCACGCACGGTCTGGCGCTCACCCAAACAGCCCTCGGAGGAAGGAGTGGGA[G>A]GCCTTGACTCGCTTCTCGGCCTCCGCCATCAGCTGTACTGCCTCACGCTCCTTCCCCGCG-3'
Protein context (NP_071363.1, residues 13-33): LMAEAEKRVK[Ala23=]SHSFLRGLFG